The following is an entry in ClinVar:

NM_007327.4(GRIN1):c.1918G>C (p.Ala640Pro)

Gene: GRIN1 (glutamate ionotropic receptor NMDA type subunit 1; plus strand). Cytogenetic location: 9q34.3.
Variant type: single nucleotide variant.
Coding change: c.1918G>C on transcript NM_007327.4 (MANE Select); coding-DNA position 1918, G replaced by C.
Protein change: p.Ala640Pro; replaces alanine 640 with proline.
Molecular consequence: missense variant.
Genome position (GRCh38, 1-based): chr9:137,162,644, G>C. VCF-style: chr9-137162644-G-C. GRCh37 (hg19) VCF-style: chr9-140057096-G-C.
Other names: c.1918G>C, p.Ala640Pro (NM_000832.7, NM_021569.4); c.1981G>C, p.Ala661Pro (NM_001185090.2, NM_001185091.2); short protein forms A640P, A661P.
Identifiers: ClinVar variation 2580157 (VCV002580157.2), dbSNP rs2538640700, ClinGen allele CA375720607.
Genomic context (GRCh38, chr9:137,162,644, plus strand): 5'-CCCACAGGCGCCCCCAGAAGCTTCTCAGCGCGCATCCTGGGCATGGTGTGGGCCGGCTTT[G>C]CCATGATCATCGTGGCCTCCTACACCGCCAACCTGGCGGCCTTCCTGGTGCTGGACCGGC-3'
Protein context (NP_015566.1, residues 630-650): RILGMVWAGF[Ala640Pro]MIIVASYTAN

ClinVar aggregate classification (germline): Likely pathogenic (1 of 4 stars; one submission).

Conditions:
Neurodevelopmental disorder with or without hyperkinetic movements and seizures, autosomal dominant. Also called: Intellectual disability, autosomal dominant 8. Identifiers: MedGen C3280282, MONDO:0013655, OMIM 614254.

Submission:

Laboratory of genome editing, Research Centre for Medical Genetics
Classification: Likely pathogenic for Neurodevelopmental disorder with or without hyperkinetic movements and seizures, autosomal dominant. Last evaluated: 2023-09-20. Review status: criteria provided, single submitter. Criteria: ACMG Guidelines, 2015. Collection method: clinical testing. Allele origin: de novo. Affected: yes. Observed: 1 heterozygote.
Comment: PS2, PM2, PP2, PP3

Literature cited by the submitters: PubMed 35887114.